The following is an entry in ClinVar:

ClinVar aggregate classification (germline): Uncertain significance (1 of 4 stars; one submission).

Submission:

Labcorp Genetics (formerly Invitae), Labcorp
Classification: Uncertain significance. Last evaluated: 2022-07-05. Review status: criteria provided, single submitter. Criteria: Invitae Variant Classification Sherloc (09022015). Collection method: clinical testing. Allele origin: germline.
Comment: In summary, the available evidence is currently insufficient to determine the role of this variant in disease. Therefore, it has been classified as a Variant of Uncertain Significance. Algorithms developed to predict the effect of missense changes on protein structure and function are either unavailable or do not agree on the potential impact of this missense change (SIFT: "Deleterious"; PolyPhen-2: "Benign"; Align-GVGD: "Class C25"). ClinVar contains an entry for this variant (Variation ID: 1351794). This variant has not been reported in the literature in individuals affected with RP1-related conditions. This variant is not present in population databases (gnomAD no frequency). This sequence change replaces serine, which is neutral and polar, with isoleucine, which is neutral and non-polar, at codon 818 of the RP1 protein (p.Ser818Ile).

NM_006269.2(RP1):c.2453G>T (p.Ser818Ile)

Gene: RP1 (RP1 axonemal microtubule associated; plus strand). Cytogenetic location: 8q12.1.
Variant type: single nucleotide variant.
Coding change: c.2453G>T on transcript NM_006269.2 (MANE Select); coding-DNA position 2453, G replaced by T.
Protein change: p.Ser818Ile; replaces serine 818 with isoleucine.
Molecular consequence: missense variant. On other transcripts: intron variant (1).
Genome position (GRCh38, 1-based): chr8:54,626,335, G>T. VCF-style: chr8-54626335-G-T. GRCh37 (hg19) VCF-style: chr8-55538895-G-T.
Other names: c.787+4047G>T (NM_001375654.1); short protein forms S818I.
Identifiers: ClinVar variation 1351794 (VCV001351794.8), dbSNP rs2129316643, ClinGen allele CA370993877.
Genomic context (GRCh38, chr8:54,626,335, plus strand): 5'-GAGATAAAGTGTTTCCTCACAATGAATCTAAATATTGCAAAAGTACTTTTGAAAACAAAA[G>T]TTTATTTCATGTATTTAACATCCTTGAGCAAAAACCCAAAGATTTTTATGCACCGCAATC-3'
Protein context (NP_006260.1, residues 808-828): KYCKSTFENK[Ser818Ile]LFHVFNILEQ